The following is an entry in ClinVar:

NM_004959.5(NR5A1):c.162C>A (p.Ser54Arg)

Gene: NR5A1 (nuclear receptor subfamily 5 group A member 1; minus strand). Cytogenetic location: 9q33.3.
Variant type: single nucleotide variant.
Coding change: c.162C>A on transcript NM_004959.5 (MANE Select); coding-DNA position 162, C replaced by A.
Protein change: p.Ser54Arg; replaces serine 54 with arginine.
Molecular consequence: missense variant.
Genome position (GRCh38, 1-based): chr9:124,503,161, G>T on the plus strand (C>A on the coding strand, the complement: NR5A1 is on the minus strand). VCF-style: chr9-124503161-G-T. GRCh37 (hg19) VCF-style: chr9-127265440-G-T.
Other names: short protein forms S54R.
Identifiers: ClinVar variation 1053554 (VCV001053554.12), dbSNP rs759670090, ClinGen allele CA5235550.
Genomic context (GRCh38, chr9:124,503,161, plus strand): 5'-CAGGCATTTCTGGAAGCGGCAGAAGGGACAGCGCTTGCGCTGCGTCTTGTCGATCTTGCA[G>T]CTCTGGCTCTCGGTGCACGTGTAGTGCTTGTTGTTCTGCACCGTGCGCTTGAAGAAGCCC-3'
Protein context (NP_004950.2, residues 44-64): NKHYTCTESQ[Ser54Arg]CKIDKTQRKR

ClinVar aggregate classification (germline): Uncertain significance. Review status: criteria provided, multiple submitters, no conflicts (2 of 4 stars). 2 submissions from 2 submitters: Uncertain significance (2). Last evaluated 2022-06-27.

Conditions:
Oligosynaptic infertility (SPGF1). Also called: OLIGOCHIASMATIC INFERTILITY; SPERMATOGENIC FAILURE 1. Identifiers: MedGen C0403810, MONDO:0009776, OMIM 258150.
46 XY differences of sex development. Also called: 46, XY disorder of sex development (DSD); 46,XY disorder of sex development. Identifiers: Orphanet 98085, MedGen C2751824, MONDO:0020040.

Allele frequency attached by ClinVar (database versions not stated): ExAC 0.00006; gnomAD exomes 0.00001 and 0.00002; gnomAD 0.00001.
gnomAD v4.1: 20 of 1,600,370 alleles (0.0012%); highest among the groups gnomAD compares: Non-Finnish European, 0.0016%; no homozygotes.

Submissions (2):

Labcorp Genetics (formerly Invitae), Labcorp
Classification: Uncertain significance for 46 XY differences of sex development; Oligosynaptic infertility. Last evaluated: 2022-06-27. Review status: criteria provided, single submitter. Criteria: Invitae Variant Classification Sherloc (09022015). Collection method: clinical testing. Allele origin: germline.
Comment: In summary, the available evidence is currently insufficient to determine the role of this variant in disease. Therefore, it has been classified as a Variant of Uncertain Significance. Experimental studies have shown that this missense change does not substantially affect NR5A1 function (PMID: 23543655). Algorithms developed to predict the effect of missense changes on protein structure and function are either unavailable or do not agree on the potential impact of this missense change (SIFT: "Deleterious"; PolyPhen-2: "Benign"; Align-GVGD: "Class C0"). ClinVar contains an entry for this variant (Variation ID: 1053554). This missense change has been observed in individual(s) with primary amenorrhea (PMID: 23543655). The frequency data for this variant in the population databases is considered unreliable, as metrics indicate poor data quality at this position in the gnomAD database. This sequence change replaces serine, which is neutral and polar, with arginine, which is basic and polar, at codon 54 of the NR5A1 protein (p.Ser54Arg).

GeneDx
Classification: Uncertain significance. Last evaluated: 2020-01-08. Review status: criteria provided, single submitter. Criteria: GeneDx Variant Classification Process June 2021. Collection method: clinical testing. Allele origin: germline. Affected: yes.
Comment: In silico analysis, which includes protein predictors and evolutionary conservation, supports a deleterious effect; Published functional studies demonstrate no damaging effect (Voican et al., 2013); This variant is associated with the following publications: (PMID: 23543655)

Literature cited by the submitters: PubMed 23543655 (cited by Labcorp Genetics (formerly Invitae), Labcorp).